The following is an entry in ClinVar:

NM_000043.6(FAS):c.479C>T (p.Thr160Ile)

Gene: FAS (Fas cell surface death receptor; plus strand). Cytogenetic location: 10q23.31.
Variant type: single nucleotide variant.
Coding change: c.479C>T on transcript NM_000043.6 (MANE Select); coding-DNA position 479, C replaced by T.
Protein change: p.Thr160Ile; replaces threonine 160 with isoleucine.
Molecular consequence: missense variant. On other transcripts: non-coding transcript variant (7).
Genome position (GRCh38, 1-based): chr10:89,010,574, C>T. VCF-style: chr10-89010574-C-T. GRCh37 (hg19) VCF-style: chr10-90770331-C-T.
Other names: c.479C>T, p.Thr160Ile (NM_001320619.2, NM_152871.4, NM_152872.4); c.524C>T, p.Thr175Ile (NM_001410956.1); short protein forms T160I, T175I.
Identifiers: ClinVar variation 4745954 (VCV004745954.1).

ClinVar aggregate classification (germline): Uncertain significance (1 of 4 stars; one submission).

Conditions:
Autoimmune lymphoproliferative syndrome type 1. Also called: AUTOIMMUNE LYMPHOPROLIFERATIVE SYNDROME, TYPE I, AUTOSOMAL DOMINANT. Identifiers: Orphanet 3261, MedGen C2717884, MONDO:0011158, OMIM 601859.

Submission:

Labcorp Genetics (formerly Invitae), Labcorp
Classification: Uncertain significance for Autoimmune lymphoproliferative syndrome. Last evaluated: 2025-08-11. Review status: criteria provided, single submitter. Criteria: Invitae Variant Classification Sherloc (09022015). Collection method: clinical testing. Allele origin: germline.
Comment: This sequence change replaces threonine, which is neutral and polar, with isoleucine, which is neutral and non-polar, at codon 160 of the FAS protein (p.Thr160Ile). This variant is not present in population databases (gnomAD no frequency). This variant has not been reported in the literature in individuals affected with FAS-related conditions. Invitae Evidence Modeling of protein sequence and biophysical properties (such as structural, functional, and spatial information, amino acid conservation, physicochemical variation, residue mobility, and thermodynamic stability) indicates that this missense variant is expected to disrupt FAS protein function with a positive predictive value of 95%. In summary, the available evidence is currently insufficient to determine the role of this variant in disease. Therefore, it has been classified as a Variant of Uncertain Significance.